The following is an entry in ClinVar:

NM_001184.4(ATR):c.7423G>T (p.Asp2475Tyr)

Gene: ATR (ATR checkpoint kinase; minus strand). Cytogenetic location: 3q23.
Variant type: single nucleotide variant.
Coding change: c.7423G>T on transcript NM_001184.4 (MANE Select); coding-DNA position 7423, G replaced by T.
Protein change: p.Asp2475Tyr; replaces aspartic acid 2475 with tyrosine.
Molecular consequence: missense variant.
Genome position (GRCh38, 1-based): chr3:142,459,038, C>A on the plus strand (G>T on the coding strand, the complement: ATR is on the minus strand). VCF-style: chr3-142459038-C-A. GRCh37 (hg19) VCF-style: chr3-142177880-C-A.
Other names: c.7231G>T, p.Asp2411Tyr (NM_001354579.2); short protein forms D2411Y, D2475Y.
Identifiers: ClinVar variation 1758859 (VCV001758859.2), dbSNP rs2108260279, ClinGen allele CA354796075.

ClinVar aggregate classification (germline): Uncertain significance (1 of 4 stars; one submission).

Conditions:
Inborn genetic diseases. Identifiers: MedGen C0950123, MeSH D030342.

Submission:

Ambry Genetics
Classification: Uncertain significance for Inborn genetic diseases. Last evaluated: 2021-12-10. Review status: criteria provided, single submitter. Criteria: Ambry Variant Classification Scheme 2023. Collection method: clinical testing. Allele origin: germline.
Comment: The p.D2475Y variant (also known as c.7423G>T), located in coding exon 44 of the ATR gene, results from a G to T substitution at nucleotide position 7423. The aspartic acid at codon 2475 is replaced by tyrosine, an amino acid with highly dissimilar properties. This amino acid position is conserved. In addition, this alteration is predicted to be deleterious by in silico analysis. Since supporting evidence is limited at this time, the clinical significance of this alteration remains unclear.